The following is an entry in ClinVar:

NM_001177316.2(SLC34A3):c.929G>A (p.Arg310His)

Gene: SLC34A3 (solute carrier family 34 member 3; plus strand). Cytogenetic location: 9q34.3.
Variant type: single nucleotide variant.
Coding change: c.929G>A on transcript NM_001177316.2 (MANE Select); coding-DNA position 929, G replaced by A.
Protein change: p.Arg310His; replaces arginine 310 with histidine.
Molecular consequence: missense variant.
Genome position (GRCh38, 1-based): chr9:137,234,112, G>A. VCF-style: chr9-137234112-G-A. GRCh37 (hg19) VCF-style: chr9-140128564-G-A.
Other names: p.Arg310His; c.929G>A, p.Arg310His (NM_001177317.2, NM_080877.3); short protein forms R310H.
Identifiers: ClinVar variation 193755 (VCV000193755.60), dbSNP rs200477567, ClinGen allele CA200767.

ClinVar aggregate classification (germline): Benign/Likely benign. Review status: criteria provided, multiple submitters, no conflicts (2 of 4 stars). 7 submissions from 7 submitters: Benign (3); Likely benign (4). Last evaluated 2026-02-13.

Conditions:
SLC34A3-related disorder. Also called: SLC34A3-related condition.
Inborn genetic diseases. Identifiers: MedGen C0950123, MeSH D030342.

Allele frequency attached by ClinVar (database versions not stated): ESP Exome Variant Server 0.00016; gnomAD 0.00041 and 0.00078; TOPMed 0.00059; gnomAD exomes 0.00152; 1000 Genomes Project 30x 0.00328; 1000 Genomes Project 0.00359; ExAC 0.00377.
gnomAD v4.1: 1,167 of 1,383,516 alleles (0.084%); highest among the groups gnomAD compares: South Asian, 0.76%; 12 homozygotes.

Submissions (7):

PreventionGenetics, part of Exact Sciences
Classification: Benign for SLC34A3-related condition. Last evaluated: 2026-02-13. Review status: criteria provided, single submitter. Criteria: ACMG Guidelines, 2015. Collection method: clinical testing. Allele origin: germline.
Comment: This variant is classified as benign based on ACMG/AMP sequence variant interpretation guidelines (Richards et al. 2015 PMID: 25741868, with internal and published modifications).

Labcorp Genetics (formerly Invitae), Labcorp
Classification: Benign. Last evaluated: 2026-01-11. Review status: criteria provided, single submitter. Criteria: Invitae Variant Classification Sherloc (09022015). Collection method: clinical testing. Allele origin: germline.

CeGaT Center for Human Genetics Tuebingen
Classification: Likely benign. Last evaluated: 2025-05-01. Review status: criteria provided, single submitter. Criteria: CeGaT Center For Human Genetics Tuebingen Variant Classification Criteria Version 2. Collection method: clinical testing. Allele origin: germline. Affected: yes. Observed: 2 variant alleles.
Comment: SLC34A3: BP4, BS2

Mayo Clinic Laboratories, Mayo Clinic
Classification: Likely benign. Last evaluated: 2025-01-29. Review status: criteria provided, single submitter. Criteria: ACMG Guidelines, 2015. Collection method: clinical testing. Allele origin: germline. Observed: 1 variant allele.
Comment: BS1, BP4_strong

Blueprint Genetics
Classification: Likely benign. Last evaluated: 2024-10-08. Review status: criteria provided, single submitter. Criteria: ACMG Guidelines, 2015. Collection method: clinical testing. Allele origin: germline.

Ambry Genetics
Classification: Likely benign for Inborn genetic diseases. Last evaluated: 2023-11-17. Review status: criteria provided, single submitter. Criteria: Ambry Variant Classification Scheme 2023. Collection method: clinical testing. Allele origin: germline.

Eurofins Ntd Llc (ga)
Classification: Benign. Last evaluated: 2015-04-28. Review status: criteria provided, single submitter. Criteria: EGL Classification Definitions 2015. Collection method: clinical testing. Allele origin: germline. Observed: 1 variant allele, 1 heterozygote.